The following is an entry in ClinVar:

ClinVar aggregate classification (germline): Pathogenic. Review status: criteria provided, multiple submitters, no conflicts (2 of 4 stars). 4 submissions from 4 submitters: Pathogenic (4). Last evaluated 2026-09-23.

Conditions:
Cardiovascular phenotype. Identifiers: MedGen CN230736.
Hereditary cancer-predisposing syndrome. Also called: Tumor predisposition; Hereditary neoplastic syndrome; Neoplastic Syndromes, Hereditary; Hereditary Cancer Syndrome. Identifiers: Orphanet 140162, MedGen C0027672, MeSH D009386, MONDO:0015356.
Neurofibromatosis, type 1 (NF1). Also called: NEUROFIBROMATOSIS, TYPE I, SOMATIC; Peripheral type neurofibromatosis; VON RECKLINGHAUSEN DISEASE; Neurofibromatosis, type I. Identifiers: Orphanet 636, MedGen C0027831, MONDO:0018975, OMIM 162200. Disease mechanism: loss of function.
NF1-related disorder. Also called: NF1-related condition. Identifiers: MedGen CN379171.

Submissions (4):

Myriad Genetics, Inc.
Classification: Pathogenic for Neurofibromatosis, type 1. Last evaluated: 2026-09-23. Review status: criteria provided, single submitter. Criteria: Myriad Autosomal Dominant, Autosomal Recessive and X-Linked Classification Criteria (2023). Collection method: clinical testing. Allele origin: unknown.
Comment: This variant is considered pathogenic. This variant creates a termination codon and is predicted to result in premature protein truncation.

Ambry Genetics
Classification: Pathogenic for Cardiovascular phenotype; Hereditary cancer-predisposing syndrome. Last evaluated: 2025-08-22. Review status: criteria provided, single submitter. Criteria: Ambry Variant Classification Scheme 2023. Collection method: clinical testing. Allele origin: germline.
Comment: The p.Q2117* pathogenic mutation (also known as c.6349C>T), located in coding exon 41 of the NF1 gene, results from a C to T substitution at nucleotide position 6349. This changes the amino acid from a glutamine to a stop codon within coding exon 41. This mutation was previously described in an individual with clinical and molecular diagnosis of neurofibromatosis type 1 (Paulo P et al. J Mol Diagn, 2017 07;19:502-513). This variant is considered to be rare based on population cohorts in the Genome Aggregation Database (gnomAD). This alteration is expected to result in loss of function by premature protein truncation or nonsense-mediated mRNA decay. As such, this alteration is interpreted as a disease-causing mutation.

Labcorp Genetics (formerly Invitae), Labcorp
Classification: Pathogenic for Neurofibromatosis, type 1. Last evaluated: 2024-08-29. Review status: criteria provided, single submitter. Criteria: Invitae Variant Classification Sherloc (09022015). Collection method: clinical testing. Allele origin: germline.
Comment: This sequence change creates a premature translational stop signal (p.Gln2117*) in the NF1 gene. It is expected to result in an absent or disrupted protein product. Loss-of-function variants in NF1 are known to be pathogenic (PMID: 10712197, 23913538). This variant is not present in population databases (gnomAD no frequency). This premature translational stop signal has been observed in individual(s) with Neurofibromatosis type 1 and breast cancer (PMID: 28529006, 30530636). ClinVar contains an entry for this variant (Variation ID: 946672). Studies have shown that this premature translational stop signal is associated with inconclusive levels of altered splicing (internal data). For these reasons, this variant has been classified as Pathogenic.

Blueprint Genetics
Classification: Pathogenic for NF1-related disorders. Last evaluated: 2023-04-20. Review status: criteria provided, single submitter. Criteria: ACMG Guidelines, 2015. Collection method: clinical testing. Allele origin: germline. Affected: yes. Observed: 1 variant allele.

Literature cited by the submitters: PubMed 28529006 (cited by Ambry Genetics and Labcorp Genetics (formerly Invitae), Labcorp); PubMed 10712197 (cited by Labcorp Genetics (formerly Invitae), Labcorp); PubMed 23913538 (cited by Labcorp Genetics (formerly Invitae), Labcorp); PubMed 30530636 (cited by Labcorp Genetics (formerly Invitae), Labcorp).

NM_001042492.3(NF1):c.6412C>T (p.Gln2138Ter)

Gene: NF1 (neurofibromin 1; plus strand). Cytogenetic location: 17q11.2.
Variant type: single nucleotide variant.
Coding change: c.6412C>T on transcript NM_001042492.3 (MANE Select); coding-DNA position 6412, C replaced by T.
Protein change: p.Gln2138Ter; replaces glutamine 2138 with a stop codon.
Molecular consequence: nonsense.
Genome position (GRCh38, 1-based): chr17:31,336,899, C>T. VCF-style: chr17-31336899-C-T. GRCh37 (hg19) VCF-style: chr17-29663917-C-T.
Other names: c.6349C>T, p.Gln2117Ter (NM_000267.4); short protein forms Q2117*, Q2138*.
Identifiers: ClinVar variation 946672 (VCV000946672.12), dbSNP rs2069691114, ClinGen allele CA399012935.
Genomic context (GRCh38, chr17:31,336,899, plus strand): 5'-CTTAGAGCTTCCACACATGGACTGGTCATTAATATCATTCACTCTCTGTGTACTTGTTCA[C>T]AGCTTCATTTTAGTGGTAAGTTCTAGGAAAGGAATTTGTGTTTACCAGTTCCTTTCTCCA-3'